The following is an entry in ClinVar:

NM_001042750.2(STAG2):c.1838T>C (p.Leu613Ser)

Gene: STAG2 (STAG2 cohesin complex component; plus strand). Cytogenetic location: Xq25.
Variant type: single nucleotide variant.
Coding change: c.1838T>C on transcript NM_001042750.2 (MANE Select); coding-DNA position 1838, T replaced by C.
Protein change: p.Leu613Ser; replaces leucine 613 with serine.
Molecular consequence: missense variant.
Genome position (GRCh38, 1-based): chrX:124,063,864, T>C. VCF-style: chrX-124063864-T-C. GRCh37 (hg19) VCF-style: chrX-123197714-T-C.
Other names: c.1838T>C, p.Leu613Ser (NM_001042749.2, NM_001042751.2, NM_001282418.2 and 13 more transcripts); short protein forms L613S.
Identifiers: ClinVar variation 2772198 (VCV002772198.3), dbSNP rs2521826696, ClinGen allele CA414272489.

ClinVar aggregate classification (germline): Uncertain significance (1 of 4 stars; one submission).

Submission:

Labcorp Genetics (formerly Invitae), Labcorp
Classification: Uncertain significance. Last evaluated: 2024-03-07. Review status: criteria provided, single submitter. Criteria: Invitae Variant Classification Sherloc (09022015). Collection method: clinical testing. Allele origin: germline.
Comment: This sequence change replaces leucine, which is neutral and non-polar, with serine, which is neutral and polar, at codon 613 of the STAG2 protein (p.Leu613Ser). This variant is not present in population databases (gnomAD no frequency). This variant has not been reported in the literature in individuals affected with STAG2-related conditions. Advanced modeling of protein sequence and biophysical properties (such as structural, functional, and spatial information, amino acid conservation, physicochemical variation, residue mobility, and thermodynamic stability) performed at Invitae indicates that this missense variant is expected to disrupt STAG2 protein function with a positive predictive value of 80%. In summary, the available evidence is currently insufficient to determine the role of this variant in disease. Therefore, it has been classified as a Variant of Uncertain Significance.